The following is an entry in ClinVar:

NM_207346.3(TSEN54):c.1166_1167delinsCC (p.Gln389Pro)

Gene: TSEN54 (tRNA splicing endonuclease subunit 54; plus strand). Cytogenetic location: 17q25.1.
Variant type: Indel.
Coding change: c.1166_1167delinsCC on transcript NM_207346.3 (MANE Select); coding-DNA positions 1166 to 1167, AG replaced by CC.
Protein change: p.Gln389Pro; replaces glutamine 389 with proline.
Molecular consequence: missense variant.
Genome position (GRCh38, 1-based): chr17:75,522,247-75,522,248, AG replaced by CC. VCF-style: chr17-75522247-AG-CC. GRCh37 (hg19) VCF-style: chr17-73518328-AG-CC.
Other names: short protein forms Q389P.
Identifiers: ClinVar variation 285945 (VCV000285945.14), dbSNP rs886043264, ClinGen allele CA10605307.
Genomic context (GRCh38, chr17:75,522,247, plus strand): 5'-ATCCCGAGGTGCAGCGGTGCTCCAGCTGGCGGGAGTACAAGGAGCTGCTGCAGCGGCGGC[AG>CC]GTGCAGAGGAGCCAGCGCCGGGCCCCTCACCTGTGGGGCCAGCCCGTCACCCCGCTGCTG-3'
Protein context (NP_997229.2, residues 379-399): REYKELLQRR[Gln389Pro]VQRSQRRAPH

ClinVar aggregate classification (germline): Likely benign. Review status: criteria provided, multiple submitters, no conflicts (2 of 4 stars). 3 submissions from 3 submitters: Likely benign (3). Last evaluated 2026-01-24.

Submissions (3):

Labcorp Genetics (formerly Invitae), Labcorp
Classification: Likely benign. Last evaluated: 2026-01-24. Review status: criteria provided, single submitter. Criteria: Invitae Variant Classification Sherloc (09022015). Collection method: clinical testing. Allele origin: germline.

GeneDx
Classification: Likely benign. Last evaluated: 2016-04-21. Review status: criteria provided, single submitter. Criteria: GeneDx Variant Classification (06012015). Collection method: clinical testing. Allele origin: germline. Affected: yes.
Comment: This variant is considered likely benign or benign based on one or more of the following criteria: it is a conservative change, it occurs at a poorly conserved position in the protein, it is predicted to be benign by multiple in silico algorithms, and/or has population frequency not consistent with disease.

Eurofins Ntd Llc (ga)
Classification: Likely benign. Last evaluated: 2016-01-29. Review status: criteria provided, single submitter. Criteria: EGL Classification Definitions 2015. Collection method: clinical testing. Allele origin: germline. Observed: 1 variant allele, 1 heterozygote.